The following is an entry in ClinVar:

NM_004817.4(TJP2):c.61-7319G>C

Gene: TJP2 (tight junction protein 2; plus strand). Cytogenetic location: 9q21.11.
Variant type: single nucleotide variant.
Coding change: c.61-7319G>C on transcript NM_004817.4 (MANE Select); 7319 bases into the intron before coding-DNA position 61, G replaced by C.
Molecular consequence: intron variant. On other transcripts: missense variant (4).
Genome position (GRCh38, 1-based): chr9:69,205,229, G>C. VCF-style: chr9-69205229-G-C. GRCh37 (hg19) VCF-style: chr9-71820145-G-C.
Other names: c.68G>C, p.Gly23Ala (NM_001170415.1, NM_001170416.2, NM_001369874.1 and 1 more transcripts); c.-9-7319G>C (NM_001170414.2, NM_001369870.1, NM_001369871.1); c.61-7319G>C (NM_201629.3, NM_001369872.1, NM_001369873.1); short protein forms G23A.
Identifiers: ClinVar variation 229311 (VCV000229311.10), dbSNP rs371868876, ClinGen allele CA5072872.
Genomic context (GRCh38, chr9:69,205,229, plus strand): 5'-CTGCTCAAGCCCTACATAGGATGTGGATCCAGGCTGTTAAAAAGTTGAGGAGATGGAAAG[G>C]CCGTGTGAGTCCCTCTGCAAGCTCTCCCCTTGTTTTCCCCAACCTTTCTTCATGGGAAGG-3'

ClinVar aggregate classification (germline): Uncertain significance. Review status: criteria provided, multiple submitters, no conflicts (2 of 4 stars). 3 submissions from 3 submitters: Uncertain significance (3). Last evaluated 2026-05-04.

Conditions:
TJP2-related disorder. Also called: TJP2-related condition.

Allele frequency attached by ClinVar (database versions not stated): gnomAD 0.00003 and 0.00004; gnomAD exomes 0.00004; TOPMed 0.00004; ExAC 0.00006; ESP Exome Variant Server 0.00022.
gnomAD v4.1: 97 of 1,537,124 alleles (0.0063%); highest among the groups gnomAD compares: Middle Eastern, 0.033%; no homozygotes.

Submissions (3):

PreventionGenetics, part of Exact Sciences
Classification: Uncertain significance for TJP2-related condition. Last evaluated: 2026-05-04. Review status: criteria provided, single submitter. Criteria: ACMG Guidelines, 2015. Collection method: clinical testing. Allele origin: germline.
Comment: The TJP2 c.68G>C variant is predicted to result in the amino acid substitution p.Gly23Ala. This variant is intronic in the main transcript NM_004817:c.61-7319G>C. To our knowledge, this variant has not been reported in the literature. This variant is reported in 0.014% of alleles in individuals of European (Non-Finnish) descent in gnomAD. At this time, the clinical significance of this variant is uncertain due to the absence of conclusive functional and genetic evidence.

Eurofins Ntd Llc (ga)
Classification: Uncertain significance. Last evaluated: 2018-05-24. Review status: criteria provided, single submitter. Criteria: EGL ClinVar v180209 classification definitions. Collection method: clinical testing. Allele origin: germline. Observed: 2 variant alleles, 2 heterozygotes.

Laboratory for Molecular Medicine, Mass General Brigham Personalized Medicine
Classification: Uncertain significance. Last evaluated: 2015-01-22. Review status: criteria provided, single submitter. Criteria: LMM Criteria. Collection method: clinical testing. Allele origin: germline. Observed: 1 variant allele.
Comment: The p.Gly23Ala variant in TJP2 has not been previously reported in individuals w ith hearing loss, but has been identified in 1/7628 European chromosomes by the Exome Aggregation Consortium (ExAC; dbSNP rs3718 68876). Computational prediction tools and conservation analyses suggest that th is variant may not impact the protein, though this information is not predictive enough to rule out pathogenicity. In summary, the clinical significance of the p.Gly23Ala variant is uncertain.